The following is an entry in ClinVar:

NM_000388.4(CASR):c.1792T>C (p.Cys598Arg)

Gene: CASR (calcium sensing receptor; plus strand). Cytogenetic location: 3q21.1.
Variant type: single nucleotide variant.
Coding change: c.1792T>C on transcript NM_000388.4 (MANE Select); coding-DNA position 1792, T replaced by C.
Protein change: p.Cys598Arg; replaces cysteine 598 with arginine.
Molecular consequence: missense variant.
Genome position (GRCh38, 1-based): chr3:122,283,746, T>C. VCF-style: chr3-122283746-T-C. GRCh37 (hg19) VCF-style: chr3-122002593-T-C.
Other names: c.1822T>C, p.Cys608Arg (NM_001178065.2); short protein forms C598R, C608R.
Identifiers: ClinVar variation 4789149 (VCV004789149.1).

ClinVar aggregate classification (germline): Uncertain significance (1 of 4 stars; one submission).

Conditions:
Familial hypocalciuric hypercalcemia (FHH). Also called: Familial benign hypercalcemia. Identifiers: Orphanet 405, MedGen C1809471, MONDO:0018458.
Autosomal dominant hypocalcemia 1 (HYPOC1). Also called: HYPOCALCEMIA, FAMILIAL. Identifiers: MedGen C3715128, MONDO:0011013, OMIM 601198.

Submission:

Labcorp Genetics (formerly Invitae), Labcorp
Classification: Uncertain significance for Familial hypocalciuric hypercalcemia; Autosomal dominant hypocalcemia 1. Last evaluated: 2025-09-28. Review status: criteria provided, single submitter. Criteria: Invitae Variant Classification Sherloc (09022015). Collection method: clinical testing. Allele origin: germline.
Comment: This sequence change replaces cysteine, which is neutral and slightly polar, with arginine, which is basic and polar, at codon 598 of the CASR protein (p.Cys598Arg). This variant is not present in population databases (gnomAD no frequency). This variant has not been reported in the literature in individuals affected with CASR-related conditions. An algorithm developed to predict the effect of missense changes on protein structure and function (PolyPhen-2) suggests that this variant is likely to be disruptive. In summary, the available evidence is currently insufficient to determine the role of this variant in disease. Therefore, it has been classified as a Variant of Uncertain Significance.